The following is an entry in ClinVar:

ClinVar aggregate classification (germline): Uncertain significance (1 of 4 stars; one submission).

Conditions:
Brugada syndrome 8 (BRGDA8). Identifiers: Orphanet 130, MedGen C2751083, MONDO:0013148, OMIM 613123.

gnomAD v4.1: 2 of 1,401,776 alleles (0.00014%); highest among the groups gnomAD compares: East Asian, 0.0048%; no homozygotes.

Submission:

Labcorp Genetics (formerly Invitae), Labcorp
Classification: Uncertain significance for Brugada syndrome 8. Last evaluated: 2021-05-08. Review status: criteria provided, single submitter. Criteria: Invitae Variant Classification Sherloc (09022015). Collection method: clinical testing. Allele origin: germline.
Comment: In summary, the available evidence is currently insufficient to determine the role of this variant in disease. Therefore, it has been classified as a Variant of Uncertain Significance. Advanced modeling of protein sequence and biophysical properties (such as structural, functional, and spatial information, amino acid conservation, physicochemical variation, residue mobility, and thermodynamic stability) performed at Invitae indicates that this missense variant is not expected to disrupt HCN4 protein function. This variant has not been reported in the literature in individuals with HCN4-related conditions. The frequency data for this variant in the population databases is considered unreliable, as metrics indicate insufficient coverage at this position in the ExAC database. This sequence change replaces glutamine with histidine at codon 1064 of the HCN4 protein (p.Gln1064His). The glutamine residue is moderately conserved and there is a small physicochemical difference between glutamine and histidine.

NM_005477.3(HCN4):c.3192G>C (p.Gln1064His)

Gene: HCN4 (hyperpolarization activated cyclic nucleotide gated potassium channel 4; minus strand). Cytogenetic location: 15q24.1.
Variant type: single nucleotide variant.
Coding change: c.3192G>C on transcript NM_005477.3 (MANE Select); coding-DNA position 3192, G replaced by C.
Protein change: p.Gln1064His; replaces glutamine 1064 with histidine.
Molecular consequence: missense variant.
Genome position (GRCh38, 1-based): chr15:73,322,901, C>G on the plus strand (G>C on the coding strand, the complement: HCN4 is on the minus strand). VCF-style: chr15-73322901-C-G. GRCh37 (hg19) VCF-style: chr15-73615242-C-G.
Other names: short protein forms Q1064H.
Identifiers: ClinVar variation 1394016 (VCV001394016.8), dbSNP rs2042870613, ClinGen allele CA393086038.